The following is an entry in ClinVar:

ClinVar aggregate classification (germline): Uncertain significance (1 of 4 stars; one submission).

Allele frequency attached by ClinVar (database versions not stated): gnomAD exomes below 0.00001.

Submission:

Labcorp Genetics (formerly Invitae), Labcorp
Classification: Uncertain significance. Last evaluated: 2022-11-01. Review status: criteria provided, single submitter. Criteria: Invitae Variant Classification Sherloc (09022015). Collection method: clinical testing. Allele origin: germline.
Comment: In summary, the available evidence is currently insufficient to determine the role of this variant in disease. Therefore, it has been classified as a Variant of Uncertain Significance. Algorithms developed to predict the effect of missense changes on protein structure and function (SIFT, PolyPhen-2, Align-GVGD) all suggest that this variant is likely to be tolerated. This variant has not been reported in the literature in individuals affected with ITGAM-related conditions. This variant is not present in population databases (gnomAD no frequency). This sequence change replaces threonine, which is neutral and polar, with serine, which is neutral and polar, at codon 1080 of the ITGAM protein (p.Thr1080Ser).

NM_000632.4(ITGAM):c.3238A>T (p.Thr1080Ser)

Gene: ITGAM (integrin subunit alpha M; plus strand). Cytogenetic location: 16p11.2.
Variant type: single nucleotide variant.
Coding change: c.3238A>T on transcript NM_000632.4 (MANE Select); coding-DNA position 3238, A replaced by T.
Protein change: p.Thr1080Ser; replaces threonine 1080 with serine.
Molecular consequence: missense variant.
Genome position (GRCh38, 1-based): chr16:31,330,567, A>T. VCF-style: chr16-31330567-A-T. GRCh37 (hg19) VCF-style: chr16-31341888-A-T.
Other names: c.3241A>T, p.Thr1081Ser (NM_001145808.2); short protein forms T1080S, T1081S.
Identifiers: ClinVar variation 2981140 (VCV002981140.3), dbSNP rs2080567362, ClinGen allele CA395704723.